The following is an entry in ClinVar:

NM_004380.3(CREBBP):c.695A>G (p.Gln232Arg)

Gene: CREBBP (CREB binding lysine acetyltransferase; minus strand). Cytogenetic location: 16p13.3.
Variant type: single nucleotide variant.
Coding change: c.695A>G on transcript NM_004380.3 (MANE Select); coding-DNA position 695, A replaced by G.
Protein change: p.Gln232Arg; replaces glutamine 232 with arginine.
Molecular consequence: missense variant.
Genome position (GRCh38, 1-based): chr16:3,850,400, T>C on the plus strand (A>G on the coding strand, the complement: CREBBP is on the minus strand). VCF-style: chr16-3850400-T-C. GRCh37 (hg19) VCF-style: chr16-3900401-T-C.
Other names: c.695A>G, p.Gln232Arg (NM_001079846.1); short protein forms Q232R.
Identifiers: ClinVar variation 1006458 (VCV001006458.8), dbSNP rs2054805900, ClinGen allele CA394559491.

ClinVar aggregate classification (germline): Uncertain significance (1 of 4 stars; one submission).

Conditions:
Rubinstein-Taybi syndrome (RSTS). Identifiers: Orphanet 783, MedGen C0035934, MONDO:0019188.

Allele frequency attached by ClinVar (database versions not stated): gnomAD exomes 0.00001.
gnomAD v4.1: 3 of 1,614,234 alleles (0.00019%); highest among the groups gnomAD compares: South Asian, 0.0011%; no homozygotes.

Submission:

Labcorp Genetics (formerly Invitae), Labcorp
Classification: Uncertain significance for Rubinstein-Taybi syndrome. Last evaluated: 2020-08-14. Review status: criteria provided, single submitter. Criteria: Invitae Variant Classification Sherloc (09022015). Collection method: clinical testing. Allele origin: germline.
Comment: In summary, the available evidence is currently insufficient to determine the role of this variant in disease. Therefore, it has been classified as a Variant of Uncertain Significance. Advanced modeling of protein sequence and biophysical properties (such as structural, functional, and spatial information, amino acid conservation, physicochemical variation, residue mobility, and thermodynamic stability) performed at Invitae indicates that this missense variant is not expected to disrupt CREBBP protein function. This variant has not been reported in the literature in individuals with CREBBP-related conditions. This variant is not present in population databases (ExAC no frequency). This sequence change replaces glutamine with arginine at codon 232 of the CREBBP protein (p.Gln232Arg). The glutamine residue is highly conserved and there is a small physicochemical difference between glutamine and arginine.